The following is an entry in ClinVar:

ClinVar aggregate classification (germline): Benign/Likely benign. Review status: criteria provided, multiple submitters, no conflicts (2 of 4 stars). 7 submissions from 7 submitters: Benign (3); Likely benign (4). Last evaluated 2026-02-01.

Conditions:
Congenital stationary night blindness 2A (CSNB2A). Also called: Night blindness, congenital stationary (incomplete), 2A, X-linked; CACNA1F-Related X-Linked Congenital Stationary Night Blindness; NIGHT BLINDNESS, CONGENITAL STATIONARY, TYPE 2; CSNB, INCOMPLETE, X-LINKED. Identifiers: Orphanet 215, MedGen C1848172, MONDO:0010241, OMIM 300071.

Allele frequency attached by ClinVar (database versions not stated): 1000 Genomes Project 30x 0.00728; 1000 Genomes Project 0.00768; TOPMed 0.01585; gnomAD 0.01650 and 0.01756; ESP Exome Variant Server 0.01708; gnomAD exomes 0.01737; ExAC 0.03036.
gnomAD v4.1: 27,731 of 1,188,489 alleles (2.3%); highest among the groups gnomAD compares: Non-Finnish European, 2.7%; 258 homozygotes.

Submissions (7):

Labcorp Genetics (formerly Invitae), Labcorp
Classification: Benign. Last evaluated: 2026-02-01. Review status: criteria provided, single submitter. Criteria: Invitae Variant Classification Sherloc (09022015). Collection method: clinical testing. Allele origin: germline.

Blueprint Genetics
Classification: Benign. Last evaluated: 2024-11-28. Review status: criteria provided, single submitter. Criteria: ACMG Guidelines, 2015. Collection method: clinical testing. Allele origin: germline.

Mendelics
Classification: Likely benign for Congenital stationary night blindness 2A. Last evaluated: 2019-05-28. Review status: criteria provided, single submitter. Criteria: Mendelics Assertion Criteria 2017. Collection method: clinical testing. Allele origin: unknown.

CeGaT Center for Human Genetics Tuebingen
Classification: Likely benign. Last evaluated: 2018-01-01. Review status: criteria provided, single submitter. Criteria: CeGaT Center For Human Genetics Tuebingen Variant Classification Criteria Version 2. Collection method: clinical testing. Allele origin: germline. Affected: yes. Observed: 1 variant allele.

Eurofins Ntd Llc (ga)
Classification: Benign. Last evaluated: 2017-08-04. Review status: criteria provided, single submitter. Criteria: EGL Classification Definitions 2015. Collection method: clinical testing. Allele origin: germline. Observed: 2 variant alleles, 2 heterozygotes.

Laboratory for Molecular Medicine, Mass General Brigham Personalized Medicine
Classification: Likely benign. Last evaluated: 2016-03-29. Review status: criteria provided, single submitter. Criteria: LMM Criteria. Collection method: clinical testing. Allele origin: germline.
Comment: Variant identified in a genome or exome case(s) and assessed due to predicted null impact of the variant or pathogenic assertions in the literature or databases. Disclaimer: This variant has not undergone full assessment. The following are preliminary notes: Frequency in ESP (all): 180/10956=1.64%

Breakthrough Genomics
Classification: Likely benign. Review status: criteria provided, single submitter. Criteria: ACMG Guidelines, 2015. Collection method: not provided. Allele origin: germline. Inheritance: X-linked inheritance. Affected: yes.

NM_001256789.3(CACNA1F):c.1523G>A (p.Arg508Gln)

Gene: CACNA1F (calcium voltage-gated channel subunit alpha1 F; minus strand). Cytogenetic location: Xp11.23.
Variant type: single nucleotide variant.
Coding change: c.1523G>A on transcript NM_001256789.3 (MANE Select); coding-DNA position 1523, G replaced by A.
Protein change: p.Arg508Gln; replaces arginine 508 with glutamine.
Molecular consequence: missense variant.
Genome position (GRCh38, 1-based): chrX:49,226,037, C>T on the plus strand (G>A on the coding strand, the complement: CACNA1F is on the minus strand). VCF-style: chrX-49226037-C-T. GRCh37 (hg19) VCF-style: chrX-49082499-C-T.
Other names: c.1361G>A, p.Arg454Gln (NM_001256790.3); c.1556G>A, p.Arg519Gln (NM_005183.4); short protein forms R519Q, R508Q, R454Q.
Identifiers: ClinVar variation 402468 (VCV000402468.60), dbSNP rs34162630, ClinGen allele CA10410833.